The following is an entry in ClinVar:

ClinVar aggregate classification (germline): Uncertain significance. Review status: criteria provided, multiple submitters, no conflicts (2 of 4 stars). 2 submissions from 2 submitters: Uncertain significance (2). Last evaluated 2022-12-08.

Allele frequency attached by ClinVar (database versions not stated): gnomAD 0.00001.

Submissions (2):

GeneDx
Classification: Uncertain significance. Last evaluated: 2022-12-08. Review status: criteria provided, single submitter. Criteria: GeneDx Variant Classification Process June 2021. Collection method: clinical testing. Allele origin: germline. Affected: yes.
Comment: Not observed at significant frequency in large population cohorts (gnomAD); In silico analysis supports that this missense variant has a deleterious effect on protein structure/function; Has not been previously published as pathogenic or benign to our knowledge

Breakthrough Genomics
Classification: Uncertain significance. Review status: criteria provided, single submitter. Criteria: ACMG Guidelines, 2015. Collection method: not provided. Allele origin: germline. Inheritance: Autosomal recessive inheritance. Affected: yes.

NM_001128225.3(SLC39A13):c.347G>C (p.Gly116Ala)

Gene: SLC39A13 (solute carrier family 39 member 13; plus strand). Cytogenetic location: 11p11.2.
Variant type: single nucleotide variant.
Coding change: c.347G>C on transcript NM_001128225.3 (MANE Select); coding-DNA position 347, G replaced by C.
Protein change: p.Gly116Ala; replaces glycine 116 with alanine.
Molecular consequence: missense variant. On other transcripts: non-coding transcript variant (1).
Genome position (GRCh38, 1-based): chr11:47,411,971, G>C. VCF-style: chr11-47411971-G-C. GRCh37 (hg19) VCF-style: chr11-47433522-G-C.
Other names: c.347G>C, p.Gly116Ala (NM_001330245.2, NM_152264.5); short protein forms G116A.
Identifiers: ClinVar variation 2504788 (VCV002504788.2), dbSNP rs756343718, ClinGen allele CA5975740.